The following is an entry in ClinVar:

NM_001399.5(EDA):c.318T>A (p.Leu106=)

Gene: EDA (ectodysplasin A; plus strand). Cytogenetic location: Xq13.1.
Variant type: single nucleotide variant.
Coding change: c.318T>A on transcript NM_001399.5 (MANE Select); coding-DNA position 318, T replaced by A.
Protein change: p.Leu106=; no amino-acid change (leucine 106 retained).
Molecular consequence: synonymous variant.
Genome position (GRCh38, 1-based): chrX:69,616,626, T>A. VCF-style: chrX-69616626-T-A. GRCh37 (hg19) VCF-style: chrX-68836470-T-A.
Other names: c.318T>A, p.Leu106= (NM_001005609.2, NM_001005610.4, NM_001005612.3 and 1 more transcripts).
Identifiers: ClinVar variation 3344255 (VCV003344255.1).
Genomic context (GRCh38, chrX:69,616,626, plus strand): 5'-CTCTGGCACCCTAAGCAGCCTCGGTGGCCTCGACCCTGACAGCCCCATCACCAGTCACCT[T>A]GGGCAGCCGTCACCTAAGCAGCAGCCATTGGAACCGGGAGAAGCCGCACTCCACTCTGAC-3'
Protein context (NP_001390.1, residues 96-116): LDPDSPITSH[Leu106=]GQPSPKQQPL

ClinVar aggregate classification (germline): Likely benign (0 of 4 stars; one submission).

Conditions:
EDA-related disorder. Also called: EDA-related condition; EDA-related disorders.

Submission:

PreventionGenetics, part of Exact Sciences
Classification: Likely benign for EDA-related condition. Last evaluated: 2024-05-16. Review status: no assertion criteria provided. Collection method: clinical testing. Allele origin: germline.
Comment: This variant is classified as likely benign based on ACMG/AMP sequence variant interpretation guidelines (Richards et al. 2015 PMID: 25741868, with internal and published modifications).